The following is an entry in ClinVar:

ClinVar aggregate classification (germline): Pathogenic (1 of 4 stars; one submission).

Conditions:
Combined oxidative phosphorylation defect type 17. Also called: Combined oxidative phosphorylation deficiency 17. Identifiers: Orphanet 369913, MedGen C3809526, MONDO:0014190, OMIM 615440.

Submission:

Labcorp Genetics (formerly Invitae), Labcorp
Classification: Pathogenic for Combined oxidative phosphorylation defect type 17. Last evaluated: 2022-10-05. Review status: criteria provided, single submitter. Criteria: Invitae Variant Classification Sherloc (09022015). Collection method: clinical testing. Allele origin: germline.
Comment: ClinVar contains an entry for this variant (Variation ID: 1451693). For these reasons, this variant has been classified as Pathogenic. This variant has not been reported in the literature in individuals affected with ELAC2-related conditions. This variant is not present in population databases (gnomAD no frequency). This sequence change creates a premature translational stop signal (p.Gln727*) in the ELAC2 gene. It is expected to result in an absent or disrupted protein product. Loss-of-function variants in ELAC2 are known to be pathogenic (PMID: 27769300, 31045291).

Literature cited by the submitters: PubMed 27769300; PubMed 31045291.

NM_018127.7(ELAC2):c.2179C>T (p.Gln727Ter)

Gene: ELAC2 (elaC ribonuclease Z 2; minus strand). Cytogenetic location: 17p12.
Variant type: single nucleotide variant.
Coding change: c.2179C>T on transcript NM_018127.7 (MANE Select); coding-DNA position 2179, C replaced by T.
Protein change: p.Gln727Ter; replaces glutamine 727 with a stop codon.
Molecular consequence: nonsense.
Genome position (GRCh38, 1-based): chr17:12,993,761, G>A on the plus strand (C>T on the coding strand, the complement: ELAC2 is on the minus strand). VCF-style: chr17-12993761-G-A. GRCh37 (hg19) VCF-style: chr17-12897078-G-A.
Other names: c.2059C>T, p.Gln687Ter (NM_001165962.2); c.2176C>T, p.Gln726Ter (NM_173717.2); short protein forms Q727*, Q726*, Q687*.
Identifiers: ClinVar variation 1451693 (VCV001451693.6), dbSNP rs946948334, ClinGen allele CA288075689.